The following is an entry in ClinVar:

ClinVar aggregate classification (germline): Likely pathogenic (1 of 4 stars; one submission).

Submission:

Labcorp Genetics (formerly Invitae), Labcorp
Classification: Likely pathogenic. Last evaluated: 2022-05-13. Review status: criteria provided, single submitter. Criteria: Invitae Variant Classification Sherloc (09022015). Collection method: clinical testing. Allele origin: germline.
Comment: In summary, the currently available evidence indicates that the variant is pathogenic, but additional data are needed to prove that conclusively. Therefore, this variant has been classified as Likely Pathogenic. This variant disrupts the p.Thr498 amino acid residue in CYP11B2. Other variant(s) that disrupt this residue have been determined to be pathogenic (PMID: 12788848, 21237269). This suggests that this residue is clinically significant, and that variants that disrupt this residue are likely to be disease-causing. This variant has not been reported in the literature in individuals affected with CYP11B2-related conditions. This variant is a gross deletion of the genomic region encompassing exon(s) 5-9 of the CYP11B2 gene, which includes the termination codon. This deletion extends beyond the assayed region for this gene and therefore may encompass additional genes. While this deletion is not anticipated to lead to nonsense mediated decay, it is expected to alter mRNA translation or result in a truncated protein product.

Literature cited by the submitters: PubMed 12788848; PubMed 21237269.

NC_000008.11:g.(?_142911970)_(142914428_?)del

Gene: CYP11B2 (cytochrome P450 family 11 subfamily B member 2; minus strand). Cytogenetic location: 8q24.3.
Variant type: Deletion.
Identifiers: ClinVar variation 831056 (VCV000831056.8).